The following is an entry in ClinVar:

NM_182961.4(SYNE1):c.14522A>G (p.Asp4841Gly)

Gene: SYNE1 (spectrin repeat containing nuclear envelope protein 1; minus strand). Cytogenetic location: 6q25.2.
Variant type: single nucleotide variant.
Coding change: c.14522A>G on transcript NM_182961.4 (MANE Select); coding-DNA position 14522, A replaced by G.
Protein change: p.Asp4841Gly; replaces aspartic acid 4841 with glycine.
Molecular consequence: missense variant.
Genome position (GRCh38, 1-based): chr6:152,330,163, T>C on the plus strand (A>G on the coding strand, the complement: SYNE1 is on the minus strand). VCF-style: chr6-152330163-T-C. GRCh37 (hg19) VCF-style: chr6-152651298-T-C.
Other names: c.14309A>G, p.Asp4770Gly (NM_033071.5); short protein forms D4770G, D4841G.
Identifiers: ClinVar variation 942823 (VCV000942823.9), dbSNP rs2096212044, ClinGen allele CA366097403.

ClinVar aggregate classification (germline): Uncertain significance (1 of 4 stars; one submission).

Conditions:
Emery-Dreifuss muscular dystrophy 4, autosomal dominant (EDMD4). Also called: EMERY-DREIFUSS MUSCULAR DYSTROPHY 4 WITH VARIABLE FEATURES. Identifiers: Orphanet 261, MedGen C2751807, MONDO:0013071, OMIM 612998.
Autosomal recessive ataxia, Beauce type. Also called: Spinocerebellar ataxia, autosomal recessive 8; ATAXIA, RECESSIVE, OF BEAUCE; SYNE1-Related Autosomal Recessive Cerebellar Ataxia; SYNE1 Deficiency. Identifiers: Orphanet 88644, MedGen C1853116, MONDO:0012549, OMIM 610743.

Submission:

Labcorp Genetics (formerly Invitae), Labcorp
Classification: Uncertain significance for Emery-Dreifuss muscular dystrophy 4, autosomal dominant; Autosomal recessive ataxia, Beauce type. Last evaluated: 2019-08-22. Review status: criteria provided, single submitter. Criteria: Invitae Variant Classification Sherloc (09022015). Collection method: clinical testing. Allele origin: germline.
Comment: In summary, the available evidence is currently insufficient to determine the role of this variant in disease. Therefore, it has been classified as a Variant of Uncertain Significance. Algorithms developed to predict the effect of sequence changes on RNA splicing suggest that this variant may create or strengthen a splice site, but this prediction has not been confirmed by published transcriptional studies. Algorithms developed to predict the effect of missense changes on protein structure and function do not agree on the potential impact of this missense change (SIFT: "Deleterious"; PolyPhen-2: "Benign"; Align-GVGD: "Class C0"). This variant has not been reported in the literature in individuals with SYNE1-related disease. This variant is not present in population databases (ExAC no frequency). This sequence change replaces aspartic acid with glycine at codon 4770 of the SYNE1 protein (p.Asp4770Gly). The aspartic acid residue is highly conserved and there is a moderate physicochemical difference between aspartic acid and glycine.